The following is an entry in ClinVar:

ClinVar aggregate classification (germline): Uncertain significance (1 of 4 stars; one submission).

Submission:

Labcorp Genetics (formerly Invitae), Labcorp
Classification: Uncertain significance. Last evaluated: 2023-06-15. Review status: criteria provided, single submitter. Criteria: Invitae Variant Classification Sherloc (09022015). Collection method: clinical testing. Allele origin: germline.
Comment: In summary, the available evidence is currently insufficient to determine the role of this variant in disease. Therefore, it has been classified as a Variant of Uncertain Significance. This sequence change falls in intron 23 of the USH2A gene. It does not directly change the encoded amino acid sequence of the USH2A protein. It affects a nucleotide within the consensus splice site. This variant is not present in population databases (gnomAD no frequency). This variant has not been reported in the literature in individuals affected with USH2A-related conditions. Variants that disrupt the consensus splice site are a relatively common cause of aberrant splicing (PMID: 17576681, 9536098). Algorithms developed to predict the effect of sequence changes on RNA splicing suggest that this variant is not likely to affect RNA splicing.

Literature cited by the submitters: PubMed 17576681; PubMed 9536098.

NM_206933.4(USH2A):c.4885+3A>G

Gene: USH2A (usherin; minus strand). Cytogenetic location: 1q41.
Variant type: single nucleotide variant.
Coding change: c.4885+3A>G on transcript NM_206933.4 (MANE Select); 3 bases into the intron after coding-DNA position 4885, A replaced by G.
Molecular consequence: intron variant.
Genome position (GRCh38, 1-based): chr1:216,089,010, T>C on the plus strand (A>G on the coding strand, the complement: USH2A is on the minus strand). VCF-style: chr1-216089010-T-C. GRCh37 (hg19) VCF-style: chr1-216262352-T-C.
Identifiers: ClinVar variation 2995604 (VCV002995604.3), dbSNP rs2032218026, ClinGen allele CA1220550743.